The following is an entry in ClinVar:

ClinVar aggregate classification (germline): Pathogenic. Review status: criteria provided, multiple submitters, no conflicts (2 of 4 stars). 3 submissions from 3 submitters: Pathogenic (3). Last evaluated 2024-06-30.

Conditions:
Niemann-Pick disease, type C1. Also called: NIEMANN-PICK DISEASE, VARIANT TYPE C1; NEUROVISCERAL STORAGE DISEASE WITH VERTICAL SUPRANUCLEAR OPHTHALMOPLEGIA; NIEMANN-PICK DISEASE WITH CHOLESTEROL ESTERIFICATION BLOCK; NIEMANN-PICK DISEASE WITHOUT SPHINGOMYELINASE DEFICIENCY; NIEMANN-PICK DISEASE, CHRONIC NEURONOPATHIC FORM. Identifiers: Orphanet 646, MedGen C3179455, MONDO:0009757, OMIM 257220.

Allele frequency attached by ClinVar (database versions not stated): ExAC 0.00002.
gnomAD v4.1: 5 of 1,613,896 alleles (0.00031%); highest among the groups gnomAD compares: Non-Finnish European, 0.00042%; no homozygotes.

Submissions (3):

Myriad Genetics, Inc.
Classification: Pathogenic for Niemann-Pick disease, type C1. Last evaluated: 2024-06-30. Review status: criteria provided, single submitter. Criteria: Myriad Autosomal Dominant, Autosomal Recessive and X-Linked Classification Criteria (2023). Collection method: clinical testing. Allele origin: unknown.
Comment: NM_000271.4(NPC1):c.3562G>T(E1188*) is expected to be pathogenic in the context of Niemann-Pick disease type C1. This variant is predicted to lead to an abnormal or absent protein product due to the creation of a premature termination codon in NPC1, a gene where loss-of-function variants are known to be pathogenic. Please note: this variant was assessed in the context of healthy population screening.

Labcorp Genetics (formerly Invitae), Labcorp
Classification: Pathogenic for Niemann-Pick disease, type C1. Last evaluated: 2022-05-08. Review status: criteria provided, single submitter. Criteria: Invitae Variant Classification Sherloc (09022015). Collection method: clinical testing. Allele origin: germline.
Comment: For these reasons, this variant has been classified as Pathogenic. ClinVar contains an entry for this variant (Variation ID: 943983). This variant has not been reported in the literature in individuals affected with NPC1-related conditions. This variant is present in population databases (rs776701050, gnomAD 0.003%). This sequence change creates a premature translational stop signal (p.Glu1188*) in the NPC1 gene. It is expected to result in an absent or disrupted protein product. Loss-of-function variants in NPC1 are known to be pathogenic (PMID: 9211850).

Institute for Medical Genetics and Human Genetics, Charité - Universitätsmedizin Berlin
Classification: Pathogenic. Review status: criteria provided, single submitter. Criteria: ACMG Guidelines, 2015. Collection method: not provided. Allele origin: germline. Affected: yes.

Literature cited by the submitters: PubMed 9211850 (cited by Labcorp Genetics (formerly Invitae), Labcorp).

NM_000271.5(NPC1):c.3562G>T (p.Glu1188Ter)

Gene: NPC1 (NPC intracellular cholesterol transporter 1; minus strand). Cytogenetic location: 18q11.2.
Variant type: single nucleotide variant.
Coding change: c.3562G>T on transcript NM_000271.5 (MANE Select); coding-DNA position 3562, G replaced by T.
Protein change: p.Glu1188Ter; replaces glutamic acid 1188 with a stop codon.
Molecular consequence: nonsense.
Genome position (GRCh38, 1-based): chr18:23,534,475, C>A on the plus strand (G>T on the coding strand, the complement: NPC1 is on the minus strand). VCF-style: chr18-23534475-C-A. GRCh37 (hg19) VCF-style: chr18-21114439-C-A.
Other names: short protein forms E1188*.
Identifiers: ClinVar variation 943983 (VCV000943983.10), dbSNP rs776701050, ClinGen allele CA8912728.
Genomic context (GRCh38, chr18:23,534,475, plus strand): 5'-CTGCCGGCGTGGCCCTGCTCAGGGTACTCACGGAGCTGCCCATGTGGGCAAGTGCCTCTT[C>A]CGCGCGCTCCACGCGGCTGCCTTTCATGCTCACCGTGAACGCTCTGGTTATGTGGCTGCA-3'